The following is an entry in ClinVar:

NM_016169.4(SUFU):c.743A>G (p.Asp248Gly)

Gene: SUFU (SUFU negative regulator of hedgehog signaling; plus strand). Cytogenetic location: 10q24.32.
Variant type: single nucleotide variant.
Coding change: c.743A>G on transcript NM_016169.4 (MANE Select); coding-DNA position 743, A replaced by G.
Protein change: p.Asp248Gly; replaces aspartic acid 248 with glycine.
Molecular consequence: missense variant.
Genome position (GRCh38, 1-based): chr10:102,594,052, A>G. VCF-style: chr10-102594052-A-G. GRCh37 (hg19) VCF-style: chr10-104353809-A-G.
Other names: c.743A>G, p.Asp248Gly (NM_001178133.2); short protein forms D248G.
Identifiers: ClinVar variation 1471158 (VCV001471158.8), dbSNP rs2135872517, ClinGen allele CA377909911.

ClinVar aggregate classification (germline): Uncertain significance (1 of 4 stars; one submission).

Conditions:
Gorlin syndrome. Also called: Nevoid Basal Cell Carcinoma Syndrome; Basal cell nevus syndrome. Identifiers: Orphanet 377, MedGen C0004779, MONDO:0007187.
Medulloblastoma (MDB). Also called: Medulloblastoma, somatic; MEDULLOBLASTOMA PREDISPOSITION SYNDROME. Identifiers: Orphanet 616, MedGen C0025149, MeSH D008527, MONDO:0007959, OMIM 155255, HP:0002885.

Submission:

Labcorp Genetics (formerly Invitae), Labcorp
Classification: Uncertain significance for Gorlin syndrome; Medulloblastoma. Last evaluated: 2021-06-05. Review status: criteria provided, single submitter. Criteria: Invitae Variant Classification Sherloc (09022015). Collection method: clinical testing. Allele origin: germline.
Comment: This sequence change replaces aspartic acid with glycine at codon 248 of the SUFU protein (p.Asp248Gly). The aspartic acid residue is highly conserved and there is a moderate physicochemical difference between aspartic acid and glycine. This variant is not present in population databases (ExAC no frequency). This variant has not been reported in the literature in individuals with SUFU-related conditions. Algorithms developed to predict the effect of missense changes on protein structure and function are either unavailable or do not agree on the potential impact of this missense change (SIFT: "Tolerated"; PolyPhen-2: "Possibly Damaging"; Align-GVGD: "Class C0"). In summary, the available evidence is currently insufficient to determine the role of this variant in disease. Therefore, it has been classified as a Variant of Uncertain Significance.